The following is an entry in ClinVar:

ClinVar aggregate classification (germline): Uncertain significance (1 of 4 stars; one submission).

Allele frequency attached by ClinVar (database versions not stated): gnomAD 0.00001; TOPMed 0.00002.
gnomAD v4.1: 1 of 1,613,572 alleles (0.000062%); highest among the groups gnomAD compares: African/African-American, 0.0013%; no homozygotes.

Submission:

Labcorp Genetics (formerly Invitae), Labcorp
Classification: Uncertain significance. Last evaluated: 2023-10-24. Review status: criteria provided, single submitter. Criteria: Invitae Variant Classification Sherloc (09022015). Collection method: clinical testing. Allele origin: germline.
Comment: This sequence change replaces alanine, which is neutral and non-polar, with glycine, which is neutral and non-polar, at codon 436 of the TNFRSF11A protein (p.Ala436Gly). This variant is present in population databases (no rsID available, gnomAD 0.01%). This variant has not been reported in the literature in individuals affected with TNFRSF11A-related conditions. ClinVar contains an entry for this variant (Variation ID: 1471905). An algorithm developed to predict the effect of missense changes on protein structure and function (PolyPhen-2) suggests that this variant is likely to be disruptive. In summary, the available evidence is currently insufficient to determine the role of this variant in disease. Therefore, it has been classified as a Variant of Uncertain Significance.

NM_003839.4(TNFRSF11A):c.1307C>G (p.Ala436Gly)

Gene: TNFRSF11A (TNF receptor superfamily member 11a; plus strand). Cytogenetic location: 18q21.33.
Variant type: single nucleotide variant.
Coding change: c.1307C>G on transcript NM_003839.4 (MANE Select); coding-DNA position 1307, C replaced by G.
Protein change: p.Ala436Gly; replaces alanine 436 with glycine.
Molecular consequence: missense variant. On other transcripts: intron variant (3).
Genome position (GRCh38, 1-based): chr18:62,369,224, C>G. VCF-style: chr18-62369224-C-G. GRCh37 (hg19) VCF-style: chr18-60036457-C-G.
Other names: c.1265C>G, p.Ala422Gly (NM_001278268.2); c.783+2464C>G (NM_001270949.2); c.730+7431C>G (NM_001270950.2); c.616+9175C>G (NM_001270951.2); short protein forms A436G, A422G.
Identifiers: ClinVar variation 1471905 (VCV001471905.8), dbSNP rs1334125227, ClinGen allele CA402617704.